The following is an entry in ClinVar:

NM_017777.4(MKS1):c.1274-9dup

Gene: MKS1 (MKS transition zone complex subunit 1; minus strand). Cytogenetic location: 17q22.
Variant type: Duplication.
Coding change: c.1274-9dup on transcript NM_017777.4 (MANE Select); 9 bases into the intron before coding-DNA position 1274, one base duplicated (C; older notation c.1274-9dupC).
Molecular consequence: intron variant.
Genome position (GRCh38, 1-based): chr17:58,207,227, G duplicated on the plus strand (C on the coding strand, the reverse complement: MKS1 is on the minus strand); the first of 3 consecutive G bases (chr17:58,207,227-58,207,229); duplicating any one gives the same sequence. VCF-style (leftmost placement, unchanged base first): chr17-58207226-A-AG. GRCh37 (hg19) VCF-style: chr17-56284587-A-AG.
Other names: c.1274-9dupC (NM_017777.3); c.665-9dup (NM_001321268.2); c.1273+667dup (NM_001330397.2); c.1274-9dup (NM_001321269.2).
Identifiers: ClinVar variation 2154153 (VCV002154153.5), dbSNP rs1418212004, ClinGen allele CA626729223.
Genomic context (GRCh38, chr17:58,207,226, plus strand): 5'-CACCGTGCCAAGCTCCACAGGTCTCCACGTGGAGACTGTCAGGGTGTGTGAGCCTGCGCA[A>AG]GGGAAGAGAAGACTGGGGCCAGGTCCAGAAAGGGCATGTGGCCCCTCACTGACTCCCCAG-3'

ClinVar aggregate classification (germline): Likely benign. Review status: criteria provided, single submitter (1 of 4 stars). 2 submissions from 2 submitters: Likely benign (1). 1 of the submissions does not count toward it. Last evaluated 2023-12-14.

Conditions:
MKS1-related disorder. Also called: MKS1-related condition; MKS1-related disorders. Identifiers: MedGen CN239382.
Joubert syndrome. Also called: JOUBERT-BOLTSHAUSER SYNDROME; Familial aplasia of the vermis. Identifiers: Orphanet 475, MedGen C5979921, MONDO:0018772.
Meckel-Gruber syndrome. Also called: DYSENCEPHALIA SPLANCHNOCYSTICA; GRUBER SYNDROME; Dysencephalia splachnocystica. Identifiers: Orphanet 564, MedGen C0265215, MONDO:0018921.

Submissions (2):

Labcorp Genetics (formerly Invitae), Labcorp
Classification: Likely benign for Joubert syndrome; Meckel-Gruber syndrome. Last evaluated: 2023-12-14. Review status: criteria provided, single submitter. Criteria: Invitae Variant Classification Sherloc (09022015). Collection method: clinical testing. Allele origin: germline.

PreventionGenetics, part of Exact Sciences
Classification: Likely benign for MKS1-related condition. Last evaluated: 2022-02-28. Review status: no assertion criteria provided. Collection method: clinical testing. Allele origin: germline. Not counted in ClinVar's aggregate classification.
Comment: This variant is classified as likely benign based on ACMG/AMP sequence variant interpretation guidelines (Richards et al. 2015 PMID: 25741868, with internal and published modifications).